The following is an entry in ClinVar:

NM_001793.6(CDH3):c.408_409del (p.Asp136fs)

Gene: CDH3 (cadherin 3; plus strand). Cytogenetic location: 16q22.1.
Variant type: Deletion.
Coding change: c.408_409del on transcript NM_001793.6 (MANE Select); coding-DNA positions 408 to 409, 2 bases deleted (TA; older notation c.408_409delTA).
Protein change: p.Asp136fs; shifts the reading frame from aspartic acid 136.
Molecular consequence: frameshift variant.
Genome position (GRCh38, 1-based): chr16:68,678,518-68,678,519, TA deleted; deleting any 2 consecutive bases within chr16:68,678,517-68,678,519 gives the same sequence; the c. name uses the placement nearest the transcript's 3' end. VCF-style (leftmost placement, unchanged base first): chr16-68678516-GAT-G. GRCh37 (hg19) VCF-style: chr16-68712419-GAT-G.
Other names: c.408_409del, p.Asp136fs (NM_001317195.3); c.243_244del, p.Asp81fs (NM_001317196.2); short protein forms D81fs, D136fs.
Identifiers: ClinVar variation 5005620 (VCV005005620.2).

ClinVar aggregate classification (germline): Likely pathogenic (1 of 4 stars; one submission).

Conditions:
Congenital hypotrichosis with juvenile macular dystrophy (HJMD). Also called: HYPOTRICHOSIS WITH CONE-ROD DYSTROPHY. Identifiers: Orphanet 1573, MedGen C1832162, MONDO:0011107, OMIM 601553.
EEM syndrome (EEMS). Identifiers: Orphanet 1897, MedGen C1857041, MONDO:0009155, OMIM 225280.

Submission:

Juno Genomics, Hangzhou Juno Genomics, Inc
Classification: Likely pathogenic for EEM syndrome; Congenital hypotrichosis with juvenile macular dystrophy. Review status: criteria provided, single submitter. Criteria: ACMG Guidelines, 2015. Collection method: clinical testing. Allele origin: germline.
Comment: Null variant in a gene where loss of function (LOF) is a known mechanism of disease.;Absent from controls (or at extremely low frequency if recessive) in Genome Aggregation Database.